The following continues an entry in ClinVar:

NM_005105.5(RBM8A):c.-21G>A

ClinVar aggregate classification (germline): Pathogenic/Likely pathogenic/Pathogenic, low penetrance; other. Pathogenic (25); Likely pathogenic (5); Pathogenic, low penetrance (1).

Submissions 24 to 42 of 42:

Victorian Clinical Genetics Services, Murdoch Childrens Research Institute
Classification: Pathogenic for Radial aplasia-thrombocytopenia syndrome. Last evaluated: 2022-02-02. Review status: criteria provided, single submitter. Criteria: ACMG Guidelines, 2015. Collection method: clinical testing. Allele origin: germline. Inheritance: Autosomal recessive inheritance. Affected: yes.
Comment: Based on the classification scheme VCGS_Germline_v1.3.4, this variant is classified as Pathogenic. Following criteria are met: 0102 - Loss of function is a known mechanism of disease in this gene and is associated with Thrombocytopaenia-absent radius syndrome (TARS, MIM#605313). (I) 0106 - This gene is associated with autosomal recessive disease. (I) 0217 - Non-coding variant with known effect. This variant results in reduced expression of the Y14 protein (PMID: 22366785). (SP) 0253 - This variant is hemizygous. (I) 0305 - Variant is present in gnomAD >=0.01 and <0.03 for a recessive condition (v2: 4703 heterozygotes, 64 homozygotes). Individuals homozygous for this variant do not have features of TAR syndrome. (PMID: 20301781). (I) 0311 - An alternative nucleotide change at the same position has been observed in gnomAD (v2: 1 heterozygote, 0 homozygotes). (I) 0801 - This variant has very strong previous evidence of pathogenicity in unrelated individuals. This is a recurrent pathogenic variant commonly reported in trans with a 1q21.1 deletion in patients with TARS (PMID: 22366785, PMID 28857120, PMID 32227665 and ClinVar). (SP) 1002 - This variant has moderate functional evidence supporting abnormal protein function. The variant results in decreased RBM8A promoter activity and reduced expression of the encoded protein (Y14) in platelets from TARS patients (PMID: 22366785). (SP) 1101 - Very strong phenotype match for this individual. (SP) 1208 - Inheritance information for this variant is not currently available in this individual. (I) Legend: (SP) - Supporting pathogenic, (I) - Information, (SB) - Supporting benign

Genome-Nilou Lab
Classification: Likely pathogenic for Radial aplasia-thrombocytopenia syndrome. Last evaluated: 2021-05-18. Review status: criteria provided, single submitter. Criteria: ACMG Guidelines, 2015. Collection method: clinical testing. Allele origin: germline. Affected: no.

Clinical Genomics Laboratory, Stanford Medicine
Classification: Pathogenic for Radial aplasia-thrombocytopenia syndrome. Last evaluated: 2021-04-05. Review status: criteria provided, single submitter. Criteria: ACMG Guidelines, 2015. Collection method: clinical testing. Allele origin: germline. Inheritance: Autosomal recessive inheritance. Affected: yes. Observed: 1 heterozygote.
Comment: The c.-21G>A variant in the RBM8A gene is a reported cause of thrombocytopenia absent radius syndrome (Albers et al., 2012; Boussion et al., 2020). This variant in the homozygous state does not cause thrombocytopenia absent radius syndrome; however, this variant in conjunction with a loss of function variant is a common cause of thrombocytopenia absent radius syndrome. The c.-21G>A variant was determined to be in trans with a pathogenic variant (1q21.1 deletion) consistent with autosomal recessive inheritance (Albers et al., 2012; Boussion et al., 2020). The presence of this variant with an established disease-causing variant on the opposite allele increases suspicion for its pathogenicity. This variant has been identified in 3,411/122,966 European chromosomes by the Genome Aggregation Database. Although this variant has been seen in the general population, its frequency is consistent with a recessive carrier frequency for a mild allele. Well-established in vitro functional studies of the c.-21G>A variant strongly suggest it reduces protein expression that is sufficient to be disease-causing (Albers et al., 2012; Boussion et al., 2020). These data were assessed using the ACMG/AMP variant interpretation guidelines. In summary, there is sufficient evidence to classify the c.-21G>A variant as pathogenic for autosomal recessive thrombocytopenia absent radius (TAR) syndrome based on the information above. [ACMG evidence codes used: PS3; PM3_verystrong]

Baylor Genetics
Classification: Pathogenic for Radial aplasia-thrombocytopenia syndrome. Last evaluated: 2020-12-09. Review status: criteria provided, single submitter. Criteria: ACMG Guidelines, 2015. Collection method: clinical testing. Allele origin: unknown. Affected: yes.
Comment: This variant was determined to be pathogenic according to ACMG Guidelines, 2015 [PMID:25741868].

Genetic Services Laboratory, University of Chicago
Classification: other. Last evaluated: 2020-04-22. Review status: criteria provided, single submitter. Criteria: ACMG Guidelines, 2015. Collection method: clinical testing. Allele origin: germline. Affected: no.

Broad Center for Mendelian Genomics, Broad Institute of MIT and Harvard
Classification: Pathogenic for Radial aplasia-thrombocytopenia syndrome. Last evaluated: 2018-12-03. Review status: criteria provided, single submitter. Criteria: ACMG Guidelines, 2015. Collection method: research. Allele origin: germline. Inheritance: Autosomal recessive inheritance. Affected: yes.
Comment: This variant has been identified in 1.812% (4778/2263746) of chromosomes, including 63 homozygous individuals, by the Genome Aggregation Database (gnomAD; dbSNP rs139428292). Although this variant has been seen in the general population, its frequency is not high enough to rule out a pathogenic role in the compound heterozygous state. The c.-21G>A variant in RBM8A has been reported in the heterozygous state, with a deletion or frameshift variant, in 39 individuals with TAR (PMID: 22366785). Trio exome analysis in the literature showed this variant to be de novo in at least 8 individuals (PMID: 22366785). The presence of this variant in combination with a reported pathogenic variant and in an individual with TAR increases the likelihood that the c.-21G>A variant is pathogenic in the compound heterozygous state, though not the homozygous state. This variant has also been reported pathogenic and likely pathogenic in ClinVar (Variation ID: 30464). The c.-21G>A variant is pathogenic based off of our findings, multiple de novo reports in the literature, and ClinVar. ACMG/AMP Criteria applied: PM3_Strong, PM6_Strong (Richards 2015).

Eurofins Ntd Llc (ga)
Classification: Pathogenic. Last evaluated: 2015-08-31. Review status: criteria provided, single submitter. Criteria: EGL Classification Definitions. Collection method: clinical testing. Allele origin: germline. Observed: 30 variant alleles, 10 heterozygotes, 13 homozygotes, 8 hemizygotes.

Institute of Human Genetics, University Hospital of Duesseldorf
Classification: Likely pathogenic for Radial aplasia-thrombocytopenia syndrome. Review status: criteria provided, single submitter. Criteria: ACMG Guidelines, 2015. Collection method: not provided. Allele origin: germline. Inheritance: Autosomal recessive inheritance. Affected: yes.

UNC Molecular Genetics  Laboratory, University of North Carolina at Chapel Hill
Classification: Likely pathogenic for Radial aplasia-thrombocytopenia syndrome. Review status: criteria provided, single submitter. Criteria: ACMG Guidelines, 2015. Collection method: research. Allele origin: germline. Affected: no. Observed: 5 variant alleles. Study: NSIGHT-NC NEXUS.
Comment: The RBM8A c.-21G>A (p.?) variant is a pathogenic variant that is located in the 5' noncoding, untranslated region (5' UTR) of the RBM8A gene. This variant is associated with reduced RBM8A gene activity, and is a mild (hypomorphic) variant that is associated with thrombocytopenia absent radius (TAR) syndrome only in the presence of a more severe, loss-of-function RBM8A variant in trans (PMID: 22366785; 24053387).

carrier finding

Molecular Genetics Laboratory, BC Children's and BC Women's Hospitals
Classification: Pathogenic for Radial aplasia-thrombocytopenia syndrome. Last evaluated: 2024-09-24. Review status: no assertion criteria provided. Criteria: ACMG Guidelines, 2015. Collection method: clinical testing. Allele origin: maternal. Affected: yes. Not counted in ClinVar's aggregate classification.

Zotz-Klimas Genetics Lab, MVZ Zotz Klimas
Classification: Likely pathogenic for Radial aplasia-thrombocytopenia syndrome. Last evaluated: 2023-10-30. Review status: no assertion criteria provided. Collection method: clinical testing. Allele origin: germline. Affected: yes. Not counted in ClinVar's aggregate classification.

Genomic Research Center, Shahid Beheshti University of Medical Sciences
Classification: Pathogenic for Radial aplasia-thrombocytopenia syndrome. Last evaluated: 2022-12-24. Review status: no assertion criteria provided. Collection method: not provided. Allele origin: inherited. Not counted in ClinVar's aggregate classification.
ClinVar note: Converted during submission from pathogenic to Pathogenic.

Biochemical Molecular Genetic Laboratory, King Abdulaziz Medical City
Classification: Pathogenic for Radial aplasia-thrombocytopenia syndrome. Last evaluated: 2020-08-07. Review status: no assertion criteria provided. Collection method: clinical testing. Allele origin: germline. Affected: yes. Not counted in ClinVar's aggregate classification.

OMIM
Classification: Pathogenic for THROMBOCYTOPENIA-ABSENT RADIUS SYNDROME. Last evaluated: 2012-02-26. Review status: no assertion criteria provided. Collection method: literature only. Allele origin: germline. Not counted in ClinVar's aggregate classification.

Clinical Genetics DNA and cytogenetics Diagnostics Lab, Erasmus MC, Erasmus Medical Center
Classification: Pathogenic. Review status: no assertion criteria provided. Collection method: clinical testing. Allele origin: germline. Affected: yes. Study: VKGL Data-share Consensus. Not counted in ClinVar's aggregate classification.

Diagnostic Laboratory, Department of Genetics, University Medical Center Groningen
Classification: Pathogenic. Review status: no assertion criteria provided. Collection method: clinical testing. Allele origin: germline. Affected: yes. Study: VKGL Data-share Consensus. Not counted in ClinVar's aggregate classification.

GeneReviews
No classification provided. Condition: Radial aplasia-thrombocytopenia syndrome. Review status: no classification provided. Collection method: literature only. Allele origin: germline. Affected: yes. Not counted in ClinVar's aggregate classification.

ISTH-SSC Genomics in Thrombosis and Hemostasis, KU Leuven, Center for Molecular and Vascular Biology
Classification: Pathogenic for Radial aplasia-thrombocytopenia syndrome. Review status: no assertion criteria provided. Collection method: research. Allele origin: de novo. Affected: yes. Not counted in ClinVar's aggregate classification.
Comment: Submitted to GoldVariant by Jose María Bastida from Hospital Universitario Salamanca - IBSAL, Spain

Joint Genome Diagnostic Labs from Nijmegen and Maastricht, Radboudumc and MUMC+
Classification: Likely pathogenic. Review status: no assertion criteria provided. Collection method: clinical testing. Allele origin: germline. Affected: yes. Study: VKGL Data-share Consensus. Not counted in ClinVar's aggregate classification.

Literature cited by the submitters: PubMed 22366785 (cited by 13 submitters); PubMed 32227665 (cited by 6 submitters); PubMed 28857120 (cited by 3 submitters); PubMed 24220582 (cited by 3 submitters); PubMed 27320760 (cited by Labcorp Genetics (formerly Invitae), Labcorp and 3billion); PubMed 24053387 (cited by 6 submitters); PubMed 26550033 (cited by Ambry Genetics and Mayo Clinic Laboratories, Mayo Clinic); PubMed 36077017 (cited by 3 submitters); PubMed 29595812 (cited by Mayo Clinic Laboratories, Mayo Clinic); PubMed 32127157 (cited by Mayo Clinic Laboratories, Mayo Clinic); PubMed 32333414 (cited by Mayo Clinic Laboratories, Mayo Clinic); PubMed 32981126 (cited by Mayo Clinic Laboratories, Mayo Clinic); PubMed 34341987 (cited by Mayo Clinic Laboratories, Mayo Clinic); PubMed 20301781 (cited by Johns Hopkins Genomics, Johns Hopkins University and Victorian Clinical Genetics Services, Murdoch Childrens Research Institute); PubMed 37673932 (cited by Daryl Scott Lab, Baylor College of Medicine); PubMed 26136524 (cited by Women's Health and Genetics/Laboratory Corporation of America, LabCorp); NCBI Bookshelf NBK23758 (cited by GeneReviews).